The following is an entry in ClinVar:

ClinVar aggregate classification (germline): Uncertain significance. Review status: criteria provided, multiple submitters, no conflicts (2 of 4 stars). 2 submissions from 2 submitters: Uncertain significance (2). Last evaluated 2021-12-21.

Conditions:
Intellectual developmental disorder with or without epilepsy or cerebellar ataxia. Identifiers: MedGen C4748041, MONDO:0060745, OMIM 618060.

Allele frequency attached by ClinVar (database versions not stated): gnomAD exomes below 0.00001 and 0.00001; ExAC 0.00001; TOPMed 0.00001.
gnomAD v4.1: 17 of 1,613,130 alleles (0.0011%); highest among the groups gnomAD compares: Non-Finnish European, 0.0014%; no homozygotes.

Submissions (2):

Laboratorio de Genetica e Diagnostico Molecular, Hospital Israelita Albert Einstein
Classification: Uncertain significance. Last evaluated: 2021-12-21. Review status: criteria provided, single submitter. Criteria: ACMG Guidelines, 2015. Collection method: clinical testing. Allele origin: germline. Affected: yes.

Laboratory of Human Genetics, Universidade de São Paulo
Classification: Uncertain significance for Intellectual developmental disorder with or without epilepsy or cerebellar ataxia. Last evaluated: 2020-05-22. Review status: criteria provided, single submitter. Criteria: ACMG Guidelines, 2015. Collection method: research. Allele origin: paternal. Inheritance: Autosomal dominant inheritance. Affected: yes. Observed: 2 variant alleles, 2 heterozygotes.

NM_134261.3(RORA):c.802G>A (p.Val268Met)

Genes: RORA (RAR related orphan receptor A; minus strand), RORA-AS1 (RORA antisense RNA 1; plus strand). Cytogenetic location: 15q22.2.
Variant type: single nucleotide variant.
Coding change: c.802G>A on transcript NM_134261.3 (MANE Select); coding-DNA position 802, G replaced by A.
Protein change: p.Val268Met; replaces valine 268 with methionine.
Molecular consequence: missense variant.
Genome position (GRCh38, 1-based): chr15:60,511,244, C>T on the plus strand (G>A on the coding strand, the complement: RORA is on the minus strand). VCF-style: chr15-60511244-C-T. GRCh37 (hg19) VCF-style: chr15-60803443-C-T.
Other names: c.877G>A, p.Val293Met (NM_002943.4); c.901G>A, p.Val301Met (NM_134260.3); c.637G>A, p.Val213Met (NM_134262.3); short protein forms V293M, V301M, V213M, V268M.
Identifiers: ClinVar variation 932229 (VCV000932229.4), dbSNP rs771655652, ClinGen allele CA7593645.